The following is an entry in ClinVar:

NM_001079802.2(FKTN):c.1381T>A (p.Tyr461Asn)

Gene: FKTN (fukutin; plus strand). Cytogenetic location: 9q31.2.
Variant type: single nucleotide variant.
Coding change: c.1381T>A on transcript NM_001079802.2 (MANE Select); coding-DNA position 1381, T replaced by A.
Protein change: p.Tyr461Asn; replaces tyrosine 461 with asparagine.
Molecular consequence: missense variant. On other transcripts: 3 prime UTR variant (1), non-coding transcript variant (2), intron variant (1).
Genome position (GRCh38, 1-based): chr9:105,635,259, T>A. VCF-style: chr9-105635259-T-A. GRCh37 (hg19) VCF-style: chr9-108397540-T-A.
Other names: c.1381T>A, p.Tyr461Asn (NM_001351496.2, NM_006731.2); c.1312T>A, p.Tyr438Asn (NM_001351497.2); c.*173T>A (NM_001351498.2); c.985T>A, p.Tyr329Asn (NM_001351499.2, NM_001351500.2, NM_001351501.2 and 1 more transcripts); c.1270+111T>A (NM_001198963.2); short protein forms Y329N, Y438N, Y461N.
Identifiers: ClinVar variation 1001931 (VCV001001931.8), dbSNP rs760285197, ClinGen allele CA374378464.

ClinVar aggregate classification (germline): Uncertain significance (1 of 4 stars; one submission).

Conditions:
Walker-Warburg congenital muscular dystrophy. Also called: Muscular dystrophy-dystroglycanopathy, type A; Walker-Warburg syndrome. Identifiers: Orphanet 899, MedGen C0265221, MONDO:0000171.

Submission:

Labcorp Genetics (formerly Invitae), Labcorp
Classification: Uncertain significance for Walker-Warburg congenital muscular dystrophy. Last evaluated: 2022-02-03. Review status: criteria provided, single submitter. Criteria: Invitae Variant Classification Sherloc (09022015). Collection method: clinical testing. Allele origin: germline.
Comment: This sequence change replaces tyrosine, which is neutral and polar, with asparagine, which is neutral and polar, at codon 461 of the FKTN protein (p.Tyr461Asn). This variant is not present in population databases (gnomAD no frequency). This variant has not been reported in the literature in individuals affected with FKTN-related conditions. ClinVar contains an entry for this variant (Variation ID: 1001931). Algorithms developed to predict the effect of missense changes on protein structure and function are either unavailable or do not agree on the potential impact of this missense change (SIFT: "Deleterious"; PolyPhen-2: "Probably Damaging"; Align-GVGD: "Class C0"). In summary, the available evidence is currently insufficient to determine the role of this variant in disease. Therefore, it has been classified as a Variant of Uncertain Significance.